The following is an entry in ClinVar:

NM_006343.3(MERTK):c.913G>A (p.Val305Ile)

Gene: MERTK (MER proto-oncogene, tyrosine kinase; plus strand). Cytogenetic location: 2q13.
Variant type: single nucleotide variant.
Coding change: c.913G>A on transcript NM_006343.3 (MANE Select); coding-DNA position 913, G replaced by A.
Protein change: p.Val305Ile; replaces valine 305 with isoleucine.
Molecular consequence: missense variant.
Genome position (GRCh38, 1-based): chr2:111,968,205, G>A. VCF-style: chr2-111968205-G-A. GRCh37 (hg19) VCF-style: chr2-112725782-G-A.
Other names: c.913G>A (NM_006343.2); short protein forms V305I.
Identifiers: ClinVar variation 1430713 (VCV001430713.10), dbSNP rs1685395775, ClinGen allele CA348232215.

ClinVar aggregate classification (germline): Uncertain significance. Review status: criteria provided, multiple submitters, no conflicts (2 of 4 stars). 4 submissions from 4 submitters: Uncertain significance (4). Last evaluated 2025-09-22.

Conditions:
Inborn genetic diseases. Identifiers: MedGen C0950123, MeSH D030342.

Allele frequency attached by ClinVar (database versions not stated): gnomAD exomes below 0.00001; TOPMed 0.00001.
gnomAD v4.1: 7 of 1,613,992 alleles (0.00043%); highest among the groups gnomAD compares: Middle Eastern, 0.049%; no homozygotes.

Submissions (4):

Dasa
Classification: Uncertain significance. Last evaluated: 2025-09-22. Review status: criteria provided, single submitter. Criteria: DASA Assertion Criteria. Collection method: clinical testing. Allele origin: germline.
Comment: NM_006343.3(MERTK):c.913G>A (p.Val305Ile) is a missense variant that results in the substitution of valine with isoleucine. This variant is rare in population databases. Computational prediction algorithms are consistent with a benign effect. The currently available literature and clinical evidence are not sufficient to establish a definitive association between this variant and the reported condition. Therefore, this variant is classified as a variant of uncertain significance.

Labcorp Genetics (formerly Invitae), Labcorp
Classification: Uncertain significance. Last evaluated: 2025-01-06. Review status: criteria provided, single submitter. Criteria: Invitae Variant Classification Sherloc (09022015). Collection method: clinical testing. Allele origin: germline.
Comment: This sequence change replaces valine, which is neutral and non-polar, with isoleucine, which is neutral and non-polar, at codon 305 of the MERTK protein (p.Val305Ile). This variant is not present in population databases (gnomAD no frequency). This variant has not been reported in the literature in individuals affected with MERTK-related conditions. ClinVar contains an entry for this variant (Variation ID: 1430713). Invitae Evidence Modeling of protein sequence and biophysical properties (such as structural, functional, and spatial information, amino acid conservation, physicochemical variation, residue mobility, and thermodynamic stability) indicates that this missense variant is not expected to disrupt MERTK protein function with a negative predictive value of 80%. In summary, the available evidence is currently insufficient to determine the role of this variant in disease. Therefore, it has been classified as a Variant of Uncertain Significance.

Blueprint Genetics
Classification: Uncertain significance. Last evaluated: 2024-10-15. Review status: criteria provided, single submitter. Criteria: ACMG Guidelines, 2015. Collection method: clinical testing. Allele origin: germline.

Ambry Genetics
Classification: Uncertain significance for Inborn genetic diseases. Last evaluated: 2024-02-13. Review status: criteria provided, single submitter. Criteria: Ambry Variant Classification Scheme 2023. Collection method: clinical testing. Allele origin: germline.